The following is an entry in ClinVar:

NM_001195263.2(PDZD7):c.1420_1522+812delinsA

Gene: PDZD7 (PDZ domain containing 7; minus strand). Cytogenetic location: 10q24.31.
Variant type: Indel.
Coding change: c.1420_1522+812delinsA on transcript NM_001195263.2 (MANE Select); coding-DNA position 1420 through 812 bases into the intron after coding-DNA position 1522, the reference bases replaced by A.
Molecular consequence: splice donor variant.
Genome position (GRCh38, 1-based): chr10:101,017,287-101,018,201, 915 bases replaced. GRCh37 (hg19): chr10:102,777,044-102,777,958.
Identifiers: ClinVar variation 2020901 (VCV002020901.4), ClinGen allele CA2580081114.

ClinVar aggregate classification (germline): Likely pathogenic (1 of 4 stars; one submission).

Submission:

Labcorp Genetics (formerly Invitae), Labcorp
Classification: Likely pathogenic. Last evaluated: 2024-02-05. Review status: criteria provided, single submitter. Criteria: Invitae Variant Classification Sherloc (09022015). Collection method: clinical testing. Allele origin: germline.
Comment: This variant results in the deletion of part of exon 9 (c.1420_1522+812delinsA) of the PDZD7 gene. It is expected to disrupt RNA splicing. Variants that disrupt the donor or acceptor splice site typically lead to a loss of protein function (PMID: 16199547), and loss-of-function variants in PDZD7 are known to be pathogenic (PMID: 20440071). This variant is not present in population databases (gnomAD no frequency). This variant has not been reported in the literature in individuals affected with PDZD7-related conditions. ClinVar contains an entry for this variant (Variation ID: 2020901). In summary, the currently available evidence indicates that the variant is pathogenic, but additional data are needed to prove that conclusively. Therefore, this variant has been classified as Likely Pathogenic.

Literature cited by the submitters: PubMed 16199547; PubMed 20440071.